The following is an entry in ClinVar:

NM_012073.5(CCT5):c.1072C>T (p.Leu358Phe)

Gene: CCT5 (chaperonin containing TCP1 subunit 5; plus strand). Cytogenetic location: 5p15.2.
Variant type: single nucleotide variant.
Coding change: c.1072C>T on transcript NM_012073.5 (MANE Select); coding-DNA position 1072, C replaced by T.
Protein change: p.Leu358Phe; replaces leucine 358 with phenylalanine.
Molecular consequence: missense variant.
Genome position (GRCh38, 1-based): chr5:10,261,638, C>T. VCF-style: chr5-10261638-C-T. GRCh37 (hg19) VCF-style: chr5-10261750-C-T.
Other names: c.1009C>T, p.Leu337Phe (NM_001306153.1); c.907C>T, p.Leu303Phe (NM_001306154.2); c.793C>T, p.Leu265Phe (NM_001306155.2); c.958C>T, p.Leu320Phe (NM_001306156.2); short protein forms L358F, L303F, L265F, L337F, L320F.
Identifiers: ClinVar variation 934429 (VCV000934429.9), dbSNP rs777440322, ClinGen allele CA3198247.

ClinVar aggregate classification (germline): Uncertain significance (1 of 4 stars; one submission).

Conditions:
Hereditary sensory and autonomic neuropathy with spastic paraplegia (HSNSP). Identifiers: Orphanet 139578, MedGen C1850395, MONDO:0009748, OMIM 256840.

Allele frequency attached by ClinVar (database versions not stated): ExAC 0.00001; gnomAD exomes 0.00003.
gnomAD v4.1: 8 of 1,614,112 alleles (0.0005%); highest among the groups gnomAD compares: Admixed American, 0.013%; no homozygotes.

Submission:

Labcorp Genetics (formerly Invitae), Labcorp
Classification: Uncertain significance for Hereditary sensory and autonomic neuropathy with spastic paraplegia. Last evaluated: 2024-08-11. Review status: criteria provided, single submitter. Criteria: Invitae Variant Classification Sherloc (09022015). Collection method: clinical testing. Allele origin: germline.
Comment: This sequence change replaces leucine, which is neutral and non-polar, with phenylalanine, which is neutral and non-polar, at codon 358 of the CCT5 protein (p.Leu358Phe). This variant is present in population databases (rs777440322, gnomAD 0.02%). This variant has not been reported in the literature in individuals affected with CCT5-related conditions. ClinVar contains an entry for this variant (Variation ID: 934429). Advanced modeling of protein sequence and biophysical properties (such as structural, functional, and spatial information, amino acid conservation, physicochemical variation, residue mobility, and thermodynamic stability) performed at Invitae indicates that this missense variant is not expected to disrupt CCT5 protein function with a negative predictive value of 80%. In summary, the available evidence is currently insufficient to determine the role of this variant in disease. Therefore, it has been classified as a Variant of Uncertain Significance.